The following is an entry in ClinVar:

NM_000051.4(ATM):c.3963G>A (p.Met1321Ile)

Gene: ATM (ATM serine/threonine kinase; plus strand). Cytogenetic location: 11q22.3.
Variant type: single nucleotide variant.
Coding change: c.3963G>A on transcript NM_000051.4 (MANE Select); coding-DNA position 3963, G replaced by A.
Protein change: p.Met1321Ile; replaces methionine 1321 with isoleucine.
Molecular consequence: missense variant.
Genome position (GRCh38, 1-based): chr11:108,284,443, G>A. VCF-style: chr11-108284443-G-A. GRCh37 (hg19) VCF-style: chr11-108155170-G-A.
Other names: c.3963G>A, p.Met1321Ile (NM_001351834.2); short protein forms M1321I.
Identifiers: ClinVar variation 133618 (VCV000133618.42), dbSNP rs35184530, ClinGen allele CA157113.

ClinVar aggregate classification (germline): Conflicting classifications of pathogenicity. Review status: criteria provided, conflicting classifications (1 of 4 stars). 16 submissions from 16 submitters: Uncertain significance (1); Likely benign (10). 5 of the submissions do not count toward it. Last evaluated 2026-01-12.

Conditions:
ATM-related disorder. Also called: ATM-related disorders; ATM-related condition.
Breast and/or ovarian cancer. Identifiers: MedGen CN221562.
Hereditary cancer-predisposing syndrome. Also called: Tumor predisposition; Hereditary neoplastic syndrome; Neoplastic Syndromes, Hereditary; Hereditary Cancer Syndrome. Identifiers: Orphanet 140162, MedGen C0027672, MeSH D009386, MONDO:0015356.
Ataxia-telangiectasia syndrome (AT). Also called: Ataxia telangiectasia (A-T); Cerebello-oculocutaneous telangiectasia; Immunodeficiency with ataxia telangiectasia; Ataxia-telangiectasia, complementation group D; AT, COMPLEMENTATION GROUP C; ATAXIA-TELANGIECTASIA, COMPLEMENTATION GROUP A. Identifiers: Orphanet 100, MedGen C0004135, MONDO:0008840, OMIM 208900.
Malignant tumor of breast. Also called: Malignant breast neoplasm; Cancer breast. Identifiers: MedGen C0006142, MONDO:0007254. Disease mechanism: loss of function.

Allele frequency attached by ClinVar (database versions not stated): gnomAD 0.00002 and 0.00003; gnomAD exomes 0.00003 and 0.00012; TOPMed 0.00003; ExAC 0.00006; 1000 Genomes Project 0.00040; 1000 Genomes Project 30x 0.00062.

Submissions (16):

Labcorp Genetics (formerly Invitae), Labcorp
Classification: Likely benign for Ataxia-telangiectasia syndrome. Last evaluated: 2026-01-12. Review status: criteria provided, single submitter. Criteria: Invitae Variant Classification Sherloc (09022015). Collection method: clinical testing. Allele origin: germline.

Quest Diagnostics Nichols Institute San Juan Capistrano
Classification: Likely benign. Last evaluated: 2025-09-02. Review status: criteria provided, single submitter. Criteria: Quest Diagnostics criteria. Collection method: clinical testing. Allele origin: unknown.

ARUP Laboratories, Molecular Genetics and Genomics, ARUP Laboratories
Classification: Likely benign. Last evaluated: 2025-04-16. Review status: criteria provided, single submitter. Criteria: ARUP Molecular Germline Variant Investigation Process 2024. Collection method: clinical testing. Allele origin: germline.

Women's Health and Genetics/Laboratory Corporation of America, LabCorp
Classification: Likely benign. Last evaluated: 2025-04-04. Review status: criteria provided, single submitter. Criteria: LabCorp Variant Classification Summary - May 2015. Collection method: clinical testing. Allele origin: germline.
Comment: Variant summary: ATM c.3963G>A (p.Met1321Ile) results in a conservative amino acid change in the encoded protein sequence. Five of five in-silico tools predict a benign effect of the variant on protein function. The variant allele was found at a frequency of 0.00012 in 251186 control chromosomes, predominantly at a frequency of 0.0015 within the East Asian subpopulation in the gnomAD database. The observed variant frequency within East Asian control individuals in the gnomAD database is approximately 1.5 fold of the estimated maximal expected allele frequency for a pathogenic variant in ATM causing Breast Cancer phenotype (0.001). c.3963G>A has been reported in the literature in individuals affected with Breast Cancer and in unaffected controls (example, Fujita_2020). . These report(s) do not provide unequivocal conclusions about association of the variant with Breast Cancer. To our knowledge, no experimental evidence demonstrating an impact on protein function has been reported. The following publication have been ascertained in the context of this evaluation (PMID: 33309985). ClinVar contains an entry for this variant (Variation ID: 133618). Based on the evidence outlined above, the variant was classified as likely benign.

Color Diagnostics, LLC DBA Color Health
Classification: Likely benign for Hereditary cancer-predisposing syndrome. Last evaluated: 2024-09-17. Review status: criteria provided, single submitter. Criteria: ACMG Guidelines, 2015. Collection method: clinical testing. Allele origin: germline.

Blueprint Genetics
Classification: Likely benign. Last evaluated: 2024-04-15. Review status: criteria provided, single submitter. Criteria: ACMG Guidelines, 2015. Collection method: clinical testing. Allele origin: germline.

CHEO Genetics Diagnostic Laboratory, Children's Hospital of Eastern Ontario
Classification: Likely benign for Breast and/or ovarian cancer. Last evaluated: 2023-01-06. Review status: criteria provided, single submitter. Criteria: ACMG Guidelines, 2015. Collection method: clinical testing. Allele origin: germline.

Sema4
Classification: Likely benign for Hereditary cancer-predisposing syndrome. Last evaluated: 2021-05-27. Review status: criteria provided, single submitter. Criteria: Sema4 Curation Guidelines. Collection method: curation. Allele origin: germline.

GeneDx
Classification: Likely benign. Last evaluated: 2020-11-18. Review status: criteria provided, single submitter. Criteria: GeneDx Variant Classification Process June 2021. Collection method: clinical testing. Allele origin: germline. Affected: yes.
Comment: This variant is associated with the following publications: (PMID: 28580595, 30287823, 25656989, 28256603, 25742471, 22529920, 26667234, 26787654, 19781682, 17344846, 24728327)

Genetic Services Laboratory, University of Chicago
Classification: Uncertain significance. Last evaluated: 2020-05-07. Review status: criteria provided, single submitter. Criteria: ACMG Guidelines, 2015. Collection method: clinical testing. Allele origin: germline. Affected: no.
Comment: DNA sequence analysis of the ATM gene demonstrated a sequence change, c.3963G>A, in exon 26 that results in an amino acid change, p.Met1321Ile. This sequence change has been described in the gnomAD database with a frequency of 0.14% in the East Asian sub-population (dbSNP rs35184530). The p.Met1321Ile change has been identified in an individual with breast cancer (PMID:28580595). The p.Met1321Ile change affects a poorly conserved amino acid residue located in a domain of the ATM protein that is not known to be functional. The p.Met1321Ile substitution appears to be benign using several in-silico pathogenicity prediction tools (SIFT, PolyPhen2, Align GVGD, REVEL). Due to these contrasting evidences and the lack of functional studies, the clinical significance of the p.Met1321Ile change remains unknown at this time.

Ambry Genetics
Classification: Likely benign for Hereditary cancer-predisposing syndrome. Last evaluated: 2018-09-24. Review status: criteria provided, single submitter. Criteria: Ambry Variant Classification Scheme 2023. Collection method: clinical testing. Allele origin: germline.

PreventionGenetics, part of Exact Sciences
Classification: Likely benign for ATM-related condition. Last evaluated: 2022-04-22. Review status: no assertion criteria provided. Collection method: clinical testing. Allele origin: germline. Not counted in ClinVar's aggregate classification.
Comment: This variant is classified as likely benign based on ACMG/AMP sequence variant interpretation guidelines (Richards et al. 2015 PMID: 25741868, with internal and published modifications).

Natera, Inc.
Classification: Likely benign for Ataxia-telangiectasia. Last evaluated: 2020-02-11. Review status: no assertion criteria provided. Collection method: clinical testing. Allele origin: germline. Not counted in ClinVar's aggregate classification.

King Laboratory, University of Washington
Classification: Benign. Last evaluated: 2019-09-01. Review status: no assertion criteria provided. Collection method: research. Allele origin: germline. Affected: yes. Not counted in ClinVar's aggregate classification.
Comment: Transcript analysis by cBROCA

ITMI
No classification provided. Condition: AllHighlyPenetrant. Last evaluated: 2013-09-19. Review status: no classification provided. Collection method: reference population. Allele origin: germline. Not counted in ClinVar's aggregate classification.
Comment: Please see associated publication for description of ethnicities

Department of Pathology and Laboratory Medicine, Sinai Health System
Classification: Uncertain significance for Malignant tumor of breast. Review status: no assertion criteria provided. Collection method: clinical testing. Allele origin: unknown. Affected: yes. Study: The Canadian Open Genetics Repository (COGR). Not counted in ClinVar's aggregate classification.
Comment: The ATM p.Met1321Ile variant was identified in 2 of 19,164 proband chromosomes (frequency: 0.0001) from individuals or families with breast cancer and was present in 9 of 51,952 control chromosomes (frequency: 0.0002) from healthy individuals (Momozawa 2018, Tavtigian 2009). The variant was identified in dbSNP (rs35184530) as â€šÃ„Ãºwith uncertain significanceâ€šÃ„Ã¹, ClinVar (classified as uncertain significance by Invitae and GeneDx and likely benign by Ambry Genetics and Color) and LOVD 3.0 (observed 3x). The variant was identified in control databases in 30 of 282,578 chromosomes at a frequency of 0.0001 (Genome Aggregation Database Feb 27, 2017). The variant was observed in the following populations: East Asian in 28 of 19,938 chromosomes (freq: 0.001), South Asian in 1 of 30612 chromosomes (freq: 0.00003), European in 1 of 128,956 chromosomes (freq: 0.000008), while the variant was not observed in the African, Latino, Ashkenazi Jewish, Finnish and Other populations. The p.Met1321 residue is not conserved in mammals and computational analyses (PolyPhen-2, SIFT, AlignGVGD, BLOSUM, MutationTaster) do not suggest a high likelihood of impact to the protein; however, this information is not predictive enough to rule out pathogenicity. The variant occurs outside of the splicing consensus sequence and in silico or computational prediction software programs (SpliceSiteFinder, MaxEntScan, NNSPLICE, GeneSplicer) do not predict a difference in splicing. In summary, based on the above information the clinical significance of this variant cannot be determined with certainty at this time. This variant is classified as a variant of uncertain significance.

Literature cited by the submitters: PubMed 33309985 (cited by Women's Health and Genetics/Laboratory Corporation of America, LabCorp and Sema4); PubMed 33471991 (cited by Sema4); PubMed 28580595 (cited by Sema4); PubMed 30287823 (cited by Sema4); PubMed 32019284 (cited by Sema4); PubMed 31248605 (cited by Sema4); PubMed 24728327 (cited by Sema4 and ITMI); PubMed 19781682 (cited by Sema4 and Ambry Genetics); PubMed 31843900 (cited by Sema4 and King Laboratory, University of Washington).